The following is an entry in ClinVar:

ClinVar aggregate classification (germline): Conflicting classifications of pathogenicity. Review status: criteria provided, conflicting classifications (1 of 4 stars). 5 submissions from 5 submitters: Uncertain significance (3); Likely benign (2). Last evaluated 2026-01-21.

Conditions:
Adenylosuccinate lyase deficiency (ADSLD). Also called: ADSL DEFICIENCY. Identifiers: Orphanet 46, MedGen C0268126, MONDO:0007068, OMIM 103050.

Allele frequency attached by ClinVar (database versions not stated): TOPMed 0.00009; gnomAD 0.00013 and 0.00015; gnomAD exomes 0.00013 and 0.00014; ExAC 0.00015.

Submissions (5):

Labcorp Genetics (formerly Invitae), Labcorp
Classification: Likely benign for Adenylosuccinate lyase deficiency. Last evaluated: 2026-01-21. Review status: criteria provided, single submitter. Criteria: Invitae Variant Classification Sherloc (09022015). Collection method: clinical testing. Allele origin: germline.

Blueprint Genetics
Classification: Likely benign. Last evaluated: 2024-11-08. Review status: criteria provided, single submitter. Criteria: ACMG Guidelines, 2015. Collection method: clinical testing. Allele origin: germline.

GeneDx
Classification: Uncertain significance. Last evaluated: 2021-04-22. Review status: criteria provided, single submitter. Criteria: GeneDx Variant Classification Process June 2021. Collection method: clinical testing. Allele origin: germline. Affected: yes.
Comment: In silico analysis, which includes protein predictors and evolutionary conservation, supports a deleterious effect; Has not been previously published as pathogenic or benign to our knowledge

Illumina Laboratory Services, Illumina
Classification: Uncertain significance for Adenylosuccinate lyase deficiency. Last evaluated: 2018-01-15. Review status: criteria provided, single submitter. Criteria: ICSL Variant Classification Criteria 13 December 2019. Collection method: clinical testing. Allele origin: germline.

Eurofins Ntd Llc (ga)
Classification: Uncertain significance. Last evaluated: 2016-08-26. Review status: criteria provided, single submitter. Criteria: EGL Classification Definitions 2015. Collection method: clinical testing. Allele origin: germline. Observed: 2 variant alleles, 2 heterozygotes.

NM_000026.4(ADSL):c.247C>T (p.Arg83Cys)

Gene: ADSL (adenylosuccinate lyase; plus strand). Cytogenetic location: 22q13.1.
Variant type: single nucleotide variant.
Coding change: c.247C>T on transcript NM_000026.4 (MANE Select); coding-DNA position 247, C replaced by T.
Protein change: p.Arg83Cys; replaces arginine 83 with cysteine.
Molecular consequence: missense variant. On other transcripts: non-coding transcript variant (1).
Genome position (GRCh38, 1-based): chr22:40,349,925, C>T. VCF-style: chr22-40349925-C-T. GRCh37 (hg19) VCF-style: chr22-40745929-C-T.
Other names: p.R83C:CGT>TGT; c.247C>T, p.Arg83Cys (NM_001123378.3, NM_001363840.3); c.55C>T, p.Arg19Cys (NM_001317923.2); short protein forms R83C, R19C.
Identifiers: ClinVar variation 195007 (VCV000195007.22), dbSNP rs780425464, ClinGen allele CA241261.